The following is an entry in ClinVar:

ClinVar aggregate classification (germline): Likely benign. Review status: criteria provided, single submitter (1 of 4 stars). 2 submissions from 2 submitters: Likely benign (1). 1 of the submissions does not count toward it. Last evaluated 2023-10-26.

Conditions:
FAT1-related disorder. Also called: FAT1-related condition.

Allele frequency attached by ClinVar (database versions not stated): ExAC 0.00007; 1000 Genomes Project 30x 0.00016; gnomAD 0.00016; 1000 Genomes Project 0.00020; ESP Exome Variant Server 0.00024; TOPMed 0.00037.
gnomAD v4.1: 163 of 1,613,912 alleles (0.01%); highest among the groups gnomAD compares: Admixed American, 0.035%; no homozygotes.

Submissions (2):

Blueprint Genetics
Classification: Likely benign. Last evaluated: 2023-10-26. Review status: criteria provided, single submitter. Criteria: ACMG Guidelines, 2015. Collection method: clinical testing. Allele origin: germline.

PreventionGenetics, part of Exact Sciences
Classification: Likely benign for FAT1-related condition. Last evaluated: 2020-02-11. Review status: no assertion criteria provided. Collection method: clinical testing. Allele origin: germline. Not counted in ClinVar's aggregate classification.
Comment: This variant is classified as likely benign based on ACMG/AMP sequence variant interpretation guidelines (Richards et al. 2015 PMID: 25741868, with internal and published modifications).

NM_005245.4(FAT1):c.2622G>A (p.Thr874=)

Gene: FAT1 (FAT atypical cadherin 1; minus strand). Cytogenetic location: 4q35.2.
Variant type: single nucleotide variant.
Coding change: c.2622G>A on transcript NM_005245.4 (MANE Select); coding-DNA position 2622, G replaced by A.
Protein change: p.Thr874=; no amino-acid change (threonine 874 retained).
Molecular consequence: synonymous variant.
Genome position (GRCh38, 1-based): chr4:186,707,206, C>T on the plus strand (G>A on the coding strand, the complement: FAT1 is on the minus strand). VCF-style: chr4-186707206-C-T. GRCh37 (hg19) VCF-style: chr4-187628360-C-T.
Identifiers: ClinVar variation 3057179 (VCV003057179.3), dbSNP rs139157199, ClinGen allele CA3167227.
Genomic context (GRCh38, chr4:186,707,206, plus strand): 5'-CTTTAAGGAGTGCTCATGCTGCAGCTCTCGATCCAGAGGGCGTGCGATGTTAACAACACC[C>T]GTCACGCTGTCAATTGAAAATGTGTCTGTGTCTGTAACAATTGAGTACGTCACGTGTCCG-3'
Protein context (NP_005236.2, residues 864-884): DTDTFSIDSV[Thr874=]GVVNIARPLD